The following is an entry in ClinVar:

NM_014633.5(CTR9):c.2474A>C (p.Gln825Pro)

Gene: CTR9 (CTR9 component of Paf1/RNA polymerase II complex; plus strand). Cytogenetic location: 11p15.4.
Variant type: single nucleotide variant.
Coding change: c.2474A>C on transcript NM_014633.5 (MANE Select); coding-DNA position 2474, A replaced by C.
Protein change: p.Gln825Pro; replaces glutamine 825 with proline.
Molecular consequence: missense variant.
Genome position (GRCh38, 1-based): chr11:10,772,549, A>C. VCF-style: chr11-10772549-A-C. GRCh37 (hg19) VCF-style: chr11-10794096-A-C.
Other names: c.2402A>C, p.Gln801Pro (NM_001346279.2); short protein forms Q801P, Q825P.
Identifiers: ClinVar variation 2827864 (VCV002827864.3), dbSNP rs2539389538, ClinGen allele CA379675993.

ClinVar aggregate classification (germline): Uncertain significance (1 of 4 stars; one submission).

Submission:

Labcorp Genetics (formerly Invitae), Labcorp
Classification: Uncertain significance. Last evaluated: 2023-01-12. Review status: criteria provided, single submitter. Criteria: Invitae Variant Classification Sherloc (09022015). Collection method: clinical testing. Allele origin: germline.
Comment: This variant has not been reported in the literature in individuals affected with CTR9-related conditions. Algorithms developed to predict the effect of missense changes on protein structure and function are either unavailable or do not agree on the potential impact of this missense change (SIFT: "Deleterious"; PolyPhen-2: "Probably Damaging"; Align-GVGD: "Class C0"). In summary, the available evidence is currently insufficient to determine the role of this variant in disease. Therefore, it has been classified as a Variant of Uncertain Significance. This sequence change replaces glutamine, which is neutral and polar, with proline, which is neutral and non-polar, at codon 825 of the CTR9 protein (p.Gln825Pro). This variant is not present in population databases (gnomAD no frequency).